The following is an entry in ClinVar:

ClinVar aggregate classification (germline): Uncertain significance. Review status: criteria provided, multiple submitters, no conflicts (2 of 4 stars). 2 submissions from 2 submitters: Uncertain significance (2). Last evaluated 2024-03-06.

Conditions:
Familial thoracic aortic aneurysm and aortic dissection (TAAD). Also called: Thoracic aortic aneurysms and dissections. Identifiers: Orphanet 91387, MedGen C4707243, MONDO:0019625.

Submissions (2):

Color Diagnostics, LLC DBA Color Health
Classification: Uncertain significance for Familial thoracic aortic aneurysm and aortic dissection. Last evaluated: 2024-03-06. Review status: criteria provided, single submitter. Criteria: ACMG Guidelines, 2015. Collection method: clinical testing. Allele origin: germline.
Comment: This missense variant replaces phenylalanine with leucine at codon 291 of the MYH11 protein. Computational prediction suggests that this variant may have deleterious impact on protein structure and function (internally defined REVEL score threshold >= 0.7, PMID: 27666373). To our knowledge, functional studies have not been reported for this variant. This variant has not been reported in individuals affected with MYH11-related disorders in the literature. This variant has not been identified in the general population by the Genome Aggregation Database (gnomAD). The available evidence is insufficient to determine the role of this variant in disease conclusively. Therefore, this variant is classified as a Variant of Uncertain Significance.

All of Us Research Program, National Institutes of Health
Classification: Uncertain significance for Familial thoracic aortic aneurysm and aortic dissection. Last evaluated: 2024-02-22. Review status: criteria provided, single submitter. Criteria: ACMG Guidelines, 2015. Collection method: clinical testing. Allele origin: germline. Inheritance: Autosomal dominant inheritance. Observed: 1 variant allele, 1 heterozygote.
Comment: This missense variant replaces phenylalanine with leucine at codon 291 of the MYH11 protein. Computational prediction tool suggests that this variant may have deleterious impact on protein structure and function (internally defined REVEL score threshold >=0.7, PMID: 27666373). Splice site prediction tools suggest that this variant may not impact RNA splicing. To our knowledge, functional studies have not been performed for this variant. This variant has not been reported in individuals affected with cardiovascular disorders in the literature. This variant has not been identified in the general population by the Genome Aggregation Database (gnomAD). The available evidence is insufficient to determine the role of this variant in disease conclusively. Therefore, this variant is classified as a Variant of Uncertain Significance.

This study involves interpretation of variants in research participants for the purpose of population health screening. Participant phenotype was not available at the time of variant classification. Additional details can be found in publication PMID: 35346344, PMCID: PMC8962531

NM_002474.3(MYH11):c.852T>G (p.Phe284Leu)

Gene: MYH11 (myosin heavy chain 11; minus strand). Cytogenetic location: 16p13.11.
Variant type: single nucleotide variant.
Coding change: c.852T>G on transcript NM_002474.3 (MANE Select); coding-DNA position 852, T replaced by G.
Protein change: p.Phe284Leu; replaces phenylalanine 284 with leucine.
Molecular consequence: missense variant.
Genome position (GRCh38, 1-based): chr16:15,776,115, A>C on the plus strand (T>G on the coding strand, the complement: MYH11 is on the minus strand). VCF-style: chr16-15776115-A-C. GRCh37 (hg19) VCF-style: chr16-15869972-A-C.
Other names: c.873T>G, p.Phe291Leu (NM_001040113.2, NM_001040114.2); c.852T>G, p.Phe284Leu (NM_022844.3); short protein forms F291L, F284L.
Identifiers: ClinVar variation 918901 (VCV000918901.5), dbSNP rs2042215219, ClinGen allele CA394869502.